The following is an entry in ClinVar:

ClinVar aggregate classification (germline): Uncertain significance (1 of 4 stars; one submission).

Conditions:
Cardiovascular phenotype. Identifiers: MedGen CN230736.

Submission:

Ambry Genetics
Classification: Uncertain significance for Cardiovascular phenotype. Last evaluated: 2025-04-30. Review status: criteria provided, single submitter. Criteria: Ambry Variant Classification Scheme 2023. Collection method: clinical testing. Allele origin: germline.
Comment: The p.G1491V variant (also known as c.4472G>T), located in coding exon 11 of the TNXB gene, results from a G to T substitution at nucleotide position 4472. The glycine at codon 1491 is replaced by valine, an amino acid with dissimilar properties. This amino acid position is conserved. In addition, this alteration is predicted to be tolerated by in silico analysis. Based on the available evidence, the clinical significance of this variant remains unclear.

NM_001365276.2(TNXB):c.4472G>T (p.Gly1491Val)

Gene: TNXB (tenascin XB; minus strand). Cytogenetic location: 6p21.33.
Variant type: single nucleotide variant.
Coding change: c.4472G>T on transcript NM_001365276.2 (MANE Select); coding-DNA position 4472, G replaced by T.
Protein change: p.Gly1491Val; replaces glycine 1491 with valine.
Molecular consequence: missense variant.
Genome position (GRCh38, 1-based): chr6:32,073,856, C>A on the plus strand (G>T on the coding strand, the complement: TNXB is on the minus strand). VCF-style: chr6-32073856-C-A. GRCh37 (hg19) VCF-style: chr6-32041633-C-A.
Other names: c.5213G>T, p.Gly1738Val (NM_001428335.1); c.4472G>T, p.Gly1491Val (NM_019105.8); short protein forms G1738V, G1491V.
Identifiers: ClinVar variation 3972007 (VCV003972007.1).